The following is an entry in ClinVar:

NM_022089.4(ATP13A2):c.385C>T (p.Arg129Trp)

Gene: ATP13A2 (ATPase cation transporting 13A2; minus strand). Cytogenetic location: 1p36.13.
Variant type: single nucleotide variant.
Coding change: c.385C>T on transcript NM_022089.4 (MANE Select); coding-DNA position 385, C replaced by T.
Protein change: p.Arg129Trp; replaces arginine 129 with tryptophan.
Molecular consequence: missense variant.
Genome position (GRCh38, 1-based): chr1:17,004,784, G>A on the plus strand (C>T on the coding strand, the complement: ATP13A2 is on the minus strand). VCF-style: chr1-17004784-G-A. GRCh37 (hg19) VCF-style: chr1-17331279-G-A.
Other names: c.385C>T, p.Arg129Trp (NM_001141973.3, NM_001141974.3); c.385C>T (NM_022089.2); short protein forms R129W.
Identifiers: ClinVar variation 579095 (VCV000579095.6), dbSNP rs1318096890, ClinGen allele CA338263429.
Genomic context (GRCh38, chr1:17,004,784, plus strand): 5'-GGAGCTGGGCCGTATCCTTCCAGGCACCCTCTGGTACCGCCCCAACTGCCGCCTGGCTCC[G>A]GCCATCCTCTGCCTGGGACTGTGGGGACGGCTCCAGGCTGGGGAAGCAGGTGAGGGTTAC-3'
Protein context (NP_071372.1, residues 119-139): PSPQSQAEDG[Arg129Trp]SQAAVGAVPE

ClinVar aggregate classification (germline): Uncertain significance. Review status: criteria provided, multiple submitters, no conflicts (2 of 4 stars). 2 submissions from 2 submitters: Uncertain significance (2). Last evaluated 2026-02-19.

Conditions:
Kufor-Rakeb syndrome (KRS). Also called: PARKINSON DISEASE 9, AUTOSOMAL RECESSIVE, JUVENILE-ONSET. Identifiers: Orphanet 306674, Orphanet 314632, MedGen C1847640, MONDO:0011706, OMIM 606693.
Autosomal recessive spastic paraplegia type 78. Identifiers: Orphanet 513436, MedGen C5567893, MONDO:0014975, OMIM 617225.

Allele frequency attached by ClinVar (database versions not stated): gnomAD 0.00001; TOPMed below 0.00001.
gnomAD v4.1: 13 of 1,613,842 alleles (0.00081%); highest among the groups gnomAD compares: East Asian, 0.0067%; no homozygotes.

Submissions (2):

GeneDx
Classification: Uncertain significance. Last evaluated: 2026-02-19. Review status: criteria provided, single submitter. Criteria: GeneDx Variant Classification Process June 2021. Collection method: clinical testing. Allele origin: germline.
Comment: Not observed at significant frequency in large population cohorts (gnomAD); In silico analysis suggests that this missense variant does not alter protein structure/function; Has not been previously published as pathogenic or benign to our knowledge

Labcorp Genetics (formerly Invitae), Labcorp
Classification: Uncertain significance for Kufor-Rakeb syndrome; Autosomal recessive spastic paraplegia type 78. Last evaluated: 2022-04-04. Review status: criteria provided, single submitter. Criteria: Invitae Variant Classification Sherloc (09022015). Collection method: clinical testing. Allele origin: germline.
Comment: In summary, the available evidence is currently insufficient to determine the role of this variant in disease. Therefore, it has been classified as a Variant of Uncertain Significance. Advanced modeling of protein sequence and biophysical properties (such as structural, functional, and spatial information, amino acid conservation, physicochemical variation, residue mobility, and thermodynamic stability) performed at Invitae indicates that this missense variant is not expected to disrupt ATP13A2 protein function. ClinVar contains an entry for this variant (Variation ID: 579095). This variant has not been reported in the literature in individuals affected with ATP13A2-related conditions. This variant is present in population databases (no rsID available, gnomAD 0.007%). This sequence change replaces arginine, which is basic and polar, with tryptophan, which is neutral and slightly polar, at codon 129 of the ATP13A2 protein (p.Arg129Trp).